The following is an entry in ClinVar:

ClinVar aggregate classification (germline): Uncertain significance (1 of 4 stars; one submission).

Conditions:
Hereditary cancer-predisposing syndrome. Also called: Neoplastic Syndromes, Hereditary; Tumor predisposition; Hereditary Cancer Syndrome; Hereditary neoplastic syndrome. Identifiers: Orphanet 140162, MedGen C0027672, MeSH D009386, MONDO:0015356.

Submission:

Ambry Genetics
Classification: Uncertain significance for Hereditary cancer-predisposing syndrome. Last evaluated: 2026-04-13. Review status: criteria provided, single submitter. Criteria: Ambry Variant Classification Scheme 2023. Collection method: clinical testing. Allele origin: germline.
Comment: The p.K1582R variant (also known as c.4745A>G), located in coding exon 30 of the ATM gene, results from an A to G substitution at nucleotide position 4745. The lysine at codon 1582 is replaced by arginine, an amino acid with highly similar properties. In an assay testing ATM function, this variant showed a functionally normal result (Lee KS et al. Cell, 2025 Sep;188:5081-5099.e27). This amino acid position is highly conserved in available vertebrate species. In addition, the in silico prediction for this alteration is inconclusive. Based on the available evidence, the clinical significance of this variant remains unclear.

Literature cited by the submitters: PubMed 40580951.

NM_000051.4(ATM):c.4745A>G (p.Lys1582Arg)

Gene: ATM (ATM serine/threonine kinase; plus strand). Cytogenetic location: 11q22.3.
Variant type: single nucleotide variant.
Coding change: c.4745A>G on transcript NM_000051.4 (MANE Select); coding-DNA position 4745, A replaced by G.
Protein change: p.Lys1582Arg; replaces lysine 1582 with arginine.
Molecular consequence: missense variant.
Genome position (GRCh38, 1-based): chr11:108,293,446, A>G. VCF-style: chr11-108293446-A-G. GRCh37 (hg19) VCF-style: chr11-108164173-A-G.
Other names: c.4745A>G, p.Lys1582Arg (NM_001351834.2); short protein forms K1582R.
Identifiers: ClinVar variation 4866245 (VCV004866245.1).